The following is an entry in ClinVar:

ClinVar aggregate classification (germline): Uncertain significance (1 of 4 stars; one submission).

Allele frequency attached by ClinVar (database versions not stated): gnomAD 0.00003 and 0.00004; gnomAD exomes 0.00003 and 0.00004; ExAC 0.00007; ESP Exome Variant Server 0.00015.

Submission:

Labcorp Genetics (formerly Invitae), Labcorp
Classification: Uncertain significance. Last evaluated: 2024-11-27. Review status: criteria provided, single submitter. Criteria: Invitae Variant Classification Sherloc (09022015). Collection method: clinical testing. Allele origin: germline.
Comment: This sequence change replaces arginine, which is basic and polar, with histidine, which is basic and polar, at codon 1631 of the ATR protein (p.Arg1631His). This variant is present in population databases (rs143114566, gnomAD 0.02%). This variant has not been reported in the literature in individuals affected with ATR-related conditions. ClinVar contains an entry for this variant (Variation ID: 1374538). An algorithm developed to predict the effect of missense changes on protein structure and function outputs the following: PolyPhen-2: "Benign". The histidine amino acid residue is found in multiple mammalian species, which suggests that this missense change does not adversely affect protein function. In summary, the available evidence is currently insufficient to determine the role of this variant in disease. Therefore, it has been classified as a Variant of Uncertain Significance.

NM_001184.4(ATR):c.4892G>A (p.Arg1631His)

Gene: ATR (ATR checkpoint kinase; minus strand). Cytogenetic location: 3q23.
Variant type: single nucleotide variant.
Coding change: c.4892G>A on transcript NM_001184.4 (MANE Select); coding-DNA position 4892, G replaced by A.
Protein change: p.Arg1631His; replaces arginine 1631 with histidine.
Molecular consequence: missense variant.
Genome position (GRCh38, 1-based): chr3:142,508,070, C>T on the plus strand (G>A on the coding strand, the complement: ATR is on the minus strand). VCF-style: chr3-142508070-C-T. GRCh37 (hg19) VCF-style: chr3-142226912-C-T.
Other names: c.4700G>A, p.Arg1567His (NM_001354579.2); short protein forms R1567H, R1631H.
Identifiers: ClinVar variation 1374538 (VCV001374538.5), dbSNP rs143114566, ClinGen allele CA2649720.